The following is an entry in ClinVar:

ClinVar aggregate classification (germline): Uncertain significance (1 of 4 stars; one submission).

Conditions:
Hereditary cancer-predisposing syndrome. Also called: Neoplastic Syndromes, Hereditary; Tumor predisposition; Hereditary Cancer Syndrome; Hereditary neoplastic syndrome. Identifiers: Orphanet 140162, MedGen C0027672, MeSH D009386, MONDO:0015356.

Submission:

Ambry Genetics
Classification: Uncertain significance for Hereditary cancer-predisposing syndrome. Last evaluated: 2026-04-10. Review status: criteria provided, single submitter. Criteria: Ambry Variant Classification Scheme 2023. Collection method: clinical testing. Allele origin: germline.
Comment: The p.P1264H variant (also known as c.3791C>A), located in coding exon 30 of the TSC2 gene, results from a C to A substitution at nucleotide position 3791. The proline at codon 1264 is replaced by histidine, an amino acid with similar properties. This amino acid position is conserved. In addition, the in silico prediction for this alteration is inconclusive. Based on the available evidence, the clinical significance of this variant remains unclear.

NM_000548.5(TSC2):c.3791C>A (p.Pro1264His)

Gene: TSC2 (TSC complex subunit 2; plus strand). Cytogenetic location: 16p13.3.
Variant type: single nucleotide variant.
Coding change: c.3791C>A on transcript NM_000548.5 (MANE Select); coding-DNA position 3791, C replaced by A.
Protein change: p.Pro1264His; replaces proline 1264 with histidine.
Molecular consequence: missense variant. On other transcripts: non-coding transcript variant (5).
Genome position (GRCh38, 1-based): chr16:2,081,775, C>A. VCF-style: chr16-2081775-C-A. GRCh37 (hg19) VCF-style: chr16-2131776-C-A.
Other names: c.3659C>A, p.Pro1220His (NM_001077183.3, NM_001370404.1, NM_001406665.1); c.3791C>A, p.Pro1264His (NM_001114382.3); c.3551C>A, p.Pro1184His (NM_001318827.2); c.3515C>A, p.Pro1172His (NM_001318829.2); c.3059C>A, p.Pro1020His (NM_001318831.2, NM_001406687.1, NM_001406688.1); c.3692C>A, p.Pro1231His (NM_001318832.2); c.3662C>A, p.Pro1221His (NM_001363528.2, NM_001370405.1, NM_021055.3); c.3788C>A, p.Pro1263His (NM_001406663.1, NM_001406664.1); and 18 more; short protein forms P1020H, P1021H, P1063H, P1064H, P1067H, P1171H, P1172H, P1183H.
Identifiers: ClinVar variation 4866085 (VCV004866085.1).